The following is an entry in ClinVar:

ClinVar aggregate classification (germline): Uncertain significance (1 of 4 stars; one submission).

Conditions:
Charcot-Marie-Tooth disease, type I (CMT1). Also called: Charcot-Marie-Tooth, Type 1; Charcot-Marie-Tooth disease type 1. Identifiers: Orphanet 65753, MedGen C0751036, MONDO:0019011.

Submission:

Labcorp Genetics (formerly Invitae), Labcorp
Classification: Uncertain significance for Charcot-Marie-Tooth disease, type I. Last evaluated: 2021-06-21. Review status: criteria provided, single submitter. Criteria: Invitae Variant Classification Sherloc (09022015). Collection method: clinical testing. Allele origin: germline.
Comment: In summary, the available evidence is currently insufficient to determine the role of this variant in disease. Therefore, it has been classified as a Variant of Uncertain Significance. This variant disrupts the p.Asp128 amino acid residue in MPZ. Other variant(s) that disrupt this residue have been observed in individuals with MPZ-related conditions (PMID: 9888385, 10463363, 18636082), which suggests that this may be a clinically significant amino acid residue. Algorithms developed to predict the effect of missense changes on protein structure and function (SIFT, PolyPhen-2, Align-GVGD) all suggest that this variant is likely to be disruptive, but these predictions have not been confirmed by published functional studies and their clinical significance is uncertain. This variant has not been reported in the literature in individuals with MPZ-related conditions. This variant is not present in population databases (ExAC no frequency). This sequence change replaces aspartic acid with histidine at codon 128 of the MPZ protein (p.Asp128His). The aspartic acid residue is highly conserved and there is a moderate physicochemical difference between aspartic acid and histidine.

Literature cited by the submitters: PubMed 9888385; PubMed 10463363; PubMed 18636082.

NM_000530.8(MPZ):c.382G>C (p.Asp128His)

Gene: MPZ (myelin protein zero; minus strand). Cytogenetic location: 1q23.3.
Variant type: single nucleotide variant.
Coding change: c.382G>C on transcript NM_000530.8 (MANE Select); coding-DNA position 382, G replaced by C.
Protein change: p.Asp128His; replaces aspartic acid 128 with histidine.
Molecular consequence: missense variant.
Genome position (GRCh38, 1-based): chr1:161,306,774, C>G on the plus strand (G>C on the coding strand, the complement: MPZ is on the minus strand). VCF-style: chr1-161306774-C-G. GRCh37 (hg19) VCF-style: chr1-161276564-C-G.
Other names: c.382G>C, p.Asp128His (NM_001315491.2); short protein forms D128H.
Identifiers: ClinVar variation 963271 (VCV000963271.9), dbSNP rs267607243, ClinGen allele CA343348857.